The following is an entry in ClinVar:

ClinVar aggregate classification (germline): Uncertain significance (1 of 4 stars; one submission).

Conditions:
Anophthalmia/microphthalmia-esophageal atresia syndrome (MCOPS3). Also called: SOX2 Disorder; MICROPHTHALMIA AND ESOPHAGEAL ATRESIA SYNDROME; AEG SYNDROME. Identifiers: Orphanet 77298, MedGen C1859773, MONDO:0008799, OMIM 206900.

gnomAD v4.1: 3 of 1,614,206 alleles (0.00019%); highest among the groups gnomAD compares: South Asian, 0.0011%; no homozygotes.

Submission:

Labcorp Genetics (formerly Invitae), Labcorp
Classification: Uncertain significance for Anophthalmia/microphthalmia-esophageal atresia syndrome. Last evaluated: 2024-03-18. Review status: criteria provided, single submitter. Criteria: Invitae Variant Classification Sherloc (09022015). Collection method: clinical testing. Allele origin: germline.
Comment: This sequence change affects codon 85 of the SOX2 mRNA. It is a 'silent' change, meaning that it does not change the encoded amino acid sequence of the SOX2 protein. This variant is not present in population databases (gnomAD no frequency). This variant has not been reported in the literature in individuals affected with SOX2-related conditions. In summary, the available evidence is currently insufficient to determine the role of this variant in disease. Therefore, it has been classified as a Variant of Uncertain Significance.

NM_003106.4(SOX2):c.255G>A (p.Thr85=)

Genes: SOX2-OT (SOX2 overlapping transcript; plus strand), SOX2 (SRY-box transcription factor 2; plus strand), LOC108281177 (SOX2 5' regulatory region; plus strand). Cytogenetic location: 3q26.33.
Variant type: single nucleotide variant.
Coding change: c.255G>A on transcript NM_003106.4 (MANE Select); coding-DNA position 255, G replaced by A.
Protein change: p.Thr85=; no amino-acid change (threonine 85 retained).
Molecular consequence: synonymous variant.
Genome position (GRCh38, 1-based): chr3:181,712,615, G>A. VCF-style: chr3-181712615-G-A. GRCh37 (hg19) VCF-style: chr3-181430403-G-A.
Identifiers: ClinVar variation 3684146 (VCV003684146.2).